The following is an entry in ClinVar:

ClinVar aggregate classification (germline): Uncertain significance (0 of 4 stars; one submission).

Conditions:
ENC1-related disorder. Also called: ENC1-related condition.

gnomAD v4.1: 1 of 1,614,140 alleles (0.000062%); highest among the groups gnomAD compares: Non-Finnish European, 0.000085%; no homozygotes.

Submission:

PreventionGenetics, part of Exact Sciences
Classification: Uncertain significance for ENC1-related condition. Last evaluated: 2024-01-31. Review status: no assertion criteria provided. Collection method: clinical testing. Allele origin: germline.
Comment: The ENC1 c.417C>G variant is predicted to result in the amino acid substitution p.Phe139Leu. To our knowledge, this variant has not been reported in the literature or in a large population database, indicating this variant is rare. At this time, the clinical significance of this variant is uncertain due to the absence of conclusive functional and genetic evidence.

NM_003633.4(ENC1):c.417C>G (p.Phe139Leu)

Gene: ENC1 (ectodermal-neural cortex 1; minus strand). Cytogenetic location: 5q13.3.
Variant type: single nucleotide variant.
Coding change: c.417C>G on transcript NM_003633.4 (MANE Select); coding-DNA position 417, C replaced by G.
Protein change: p.Phe139Leu; replaces phenylalanine 139 with leucine.
Molecular consequence: missense variant.
Genome position (GRCh38, 1-based): chr5:74,636,069, G>C on the plus strand (C>G on the coding strand, the complement: ENC1 is on the minus strand). VCF-style: chr5-74636069-G-C. GRCh37 (hg19) VCF-style: chr5-73931894-G-C.
Other names: c.417C>G, p.Phe139Leu (NM_001256574.2, NM_001256575.2); c.198C>G, p.Phe66Leu (NM_001256576.2); short protein forms F139L, F66L.
Identifiers: ClinVar variation 3044516 (VCV003044516.2), dbSNP rs1261705893, ClinGen allele CA360056818.